The following is an entry in ClinVar:

NM_020738.4(KIDINS220):c.3949G>A (p.Glu1317Lys)

Gene: KIDINS220 (kinase D interacting substrate 220; minus strand). Cytogenetic location: 2p25.1.
Variant type: single nucleotide variant.
Coding change: c.3949G>A on transcript NM_020738.4 (MANE Select); coding-DNA position 3949, G replaced by A.
Protein change: p.Glu1317Lys; replaces glutamic acid 1317 with lysine.
Molecular consequence: missense variant. On other transcripts: non-coding transcript variant (2).
Genome position (GRCh38, 1-based): chr2:8,733,548, C>T on the plus strand (G>A on the coding strand, the complement: KIDINS220 is on the minus strand). VCF-style: chr2-8733548-C-T. GRCh37 (hg19) VCF-style: chr2-8873678-C-T.
Other names: c.3952G>A, p.Glu1318Lys (NM_001348729.2); c.3895G>A, p.Glu1299Lys (NM_001348731.2); c.3892G>A, p.Glu1298Lys (NM_001348732.2, NM_001348738.2); c.3781G>A, p.Glu1261Lys (NM_001348734.2, NM_001348739.2, NM_001348740.2); c.3778G>A, p.Glu1260Lys (NM_001348735.2, NM_001348741.2, NM_001348742.2 and 1 more transcripts); c.3652G>A, p.Glu1218Lys (NM_001348736.2); c.3949G>A (NM_020738.2); short protein forms E1298K, E1218K, E1260K, E1261K, E1299K, E1317K, E1318K.
Identifiers: ClinVar variation 1500508 (VCV001500508.11), dbSNP rs374748463, ClinGen allele CA1519464.
Genomic context (GRCh38, chr2:8,733,548, plus strand): 5'-CAAGCGTGTTCAGCTCTTCGAAGCTGAAGTTGAGTGTGTAGGGCGTCTGGCTGGAGAGCT[C>T]GGTGTGAGGCAGCTCGTTGTGGGAAGCGCGGCGAGCAGGCTCACCGTGCGGGGCTGGGCC-3'
Protein context (NP_065789.1, residues 1307-1327): RASHNELPHT[Glu1317Lys]LSSQTPYTLN

ClinVar aggregate classification (germline): Uncertain significance. Review status: criteria provided, multiple submitters, no conflicts (2 of 4 stars). 2 submissions from 2 submitters: Uncertain significance (2). Last evaluated 2026-08-28.

Conditions:
KIDINS220-related disorder. Also called: KIDINS220-related condition.

Allele frequency attached by ClinVar (database versions not stated): gnomAD exomes below 0.00001 and 0.00001; ExAC 0.00001; gnomAD 0.00001 and 0.00002; TOPMed 0.00003; ESP Exome Variant Server 0.00008.
gnomAD v4.1: 16 of 1,613,972 alleles (0.00099%); highest among the groups gnomAD compares: Non-Finnish European, 0.0014%; no homozygotes.

Submissions (2):

PreventionGenetics, part of Exact Sciences
Classification: Uncertain significance for KIDINS220-related condition. Last evaluated: 2026-08-28. Review status: criteria provided, single submitter. Criteria: ACMG Guidelines, 2015. Collection method: clinical testing. Allele origin: germline.
Comment: The KIDINS220 c.3949G>A variant is predicted to result in the amino acid substitution p.Glu1317Lys. To our knowledge, this variant has not been reported in the literature. This variant is reported in 0.00088% of alleles in individuals of European (Non-Finnish) descent in gnomAD. At this time, the clinical significance of this variant is uncertain due to the absence of conclusive functional and genetic evidence.

Labcorp Genetics (formerly Invitae), Labcorp
Classification: Uncertain significance. Last evaluated: 2025-01-07. Review status: criteria provided, single submitter. Criteria: Invitae Variant Classification Sherloc (09022015). Collection method: clinical testing. Allele origin: germline.
Comment: This sequence change replaces glutamic acid, which is acidic and polar, with lysine, which is basic and polar, at codon 1317 of the KIDINS220 protein (p.Glu1317Lys). This variant is present in population databases (rs374748463, gnomAD 0.002%). This variant has not been reported in the literature in individuals affected with KIDINS220-related conditions. ClinVar contains an entry for this variant (Variation ID: 1500508). An algorithm developed to predict the effect of missense changes on protein structure and function (PolyPhen-2) suggests that this variant is likely to be tolerated. In summary, the available evidence is currently insufficient to determine the role of this variant in disease. Therefore, it has been classified as a Variant of Uncertain Significance.